The following is an entry in ClinVar:

NM_001005242.3(PKP2):c.1104C>T (p.Ser368=)

Gene: PKP2 (plakophilin 2; minus strand). Cytogenetic location: 12p11.21.
Variant type: single nucleotide variant.
Coding change: c.1104C>T on transcript NM_001005242.3 (MANE Select); coding-DNA position 1104, C replaced by T.
Protein change: p.Ser368=; no amino-acid change (serine 368 retained).
Molecular consequence: synonymous variant.
Genome position (GRCh38, 1-based): chr12:32,868,993, G>A on the plus strand (C>T on the coding strand, the complement: PKP2 is on the minus strand). VCF-style: chr12-32868993-G-A. GRCh37 (hg19) VCF-style: chr12-33021927-G-A.
Other names: c.1104C>T, p.Ser368= (NM_004572.4).
Identifiers: ClinVar variation 925514 (VCV000925514.5), dbSNP rs892666132, ClinGen allele CA235260050.

ClinVar aggregate classification (germline): Likely benign. Review status: criteria provided, multiple submitters, no conflicts (2 of 4 stars). 3 submissions from 3 submitters: Likely benign (3). Last evaluated 2025-01-12.

Conditions:
Cardiomyopathy (CMYO). Also called: Cardiomyopathies. Identifiers: Orphanet 167848, MedGen C0878544, MONDO:0004994, HP:0001638. Inheritance: Various modes of inheritance.
Arrhythmogenic right ventricular cardiomyopathy (ARVD). Also called: Arrhythmogenic cardiomyopathy; Cardiomyopathy, ARVC; Arrhythmogenic right ventricular dysplasia; Arrhythmogenic Right Ventricular Cardiomyopathy (ARVC). Identifiers: Orphanet 247, MedGen C0349788, MeSH D019571, MONDO:0016587. Disease mechanism: loss of function. Inheritance: Various modes of inheritance.
Arrhythmogenic right ventricular dysplasia 9 (ARVD9). Also called: Arrhythmogenic Right Ventricular Dysplasia/Cardiomyopathy 9; ARRHYTHMOGENIC RIGHT VENTRICULAR DYSPLASIA, FAMILIAL, 9. Identifiers: MedGen C1836906, MONDO:0012180, OMIM 609040.

Allele frequency attached by ClinVar (database versions not stated): gnomAD exomes below 0.00001; TOPMed below 0.00001; gnomAD 0.00001.
gnomAD v4.1: 3 of 1,613,748 alleles (0.00019%); highest among the groups gnomAD compares: Non-Finnish European, 0.00025%; no homozygotes.

Submissions (3):

Labcorp Genetics (formerly Invitae), Labcorp
Classification: Likely benign for Arrhythmogenic right ventricular dysplasia 9. Last evaluated: 2025-01-12. Review status: criteria provided, single submitter. Criteria: Invitae Variant Classification Sherloc (09022015). Collection method: clinical testing. Allele origin: germline.

All of Us Research Program, National Institutes of Health
Classification: Likely benign for Arrhythmogenic right ventricular cardiomyopathy. Last evaluated: 2024-03-24. Review status: criteria provided, single submitter. Criteria: ACMG Guidelines, 2015. Collection method: clinical testing. Allele origin: germline. Inheritance: Autosomal dominant inheritance. Observed: 1 variant allele, 1 heterozygote.
Comment: This study involves interpretation of variants in research participants for the purpose of population health screening. Participant phenotype was not available at the time of variant classification. Additional details can be found in publication PMID: 35346344, PMCID: PMC8962531

Color Diagnostics, LLC DBA Color Health
Classification: Likely benign for Cardiomyopathy. Last evaluated: 2019-07-15. Review status: criteria provided, single submitter. Criteria: ACMG Guidelines, 2015. Collection method: clinical testing. Allele origin: germline.